The following is an entry in ClinVar:

ClinVar aggregate classification (germline): Pathogenic (1 of 4 stars; one submission).

Conditions:
Tuberous sclerosis 2 (TSC2). Identifiers: Orphanet 805, MedGen C1860707, MONDO:0013199, OMIM 613254.

Submission:

Labcorp Genetics (formerly Invitae), Labcorp
Classification: Pathogenic for Tuberous sclerosis 2. Last evaluated: 2021-06-17. Review status: criteria provided, single submitter. Criteria: Invitae Variant Classification Sherloc (09022015). Collection method: clinical testing. Allele origin: germline.
Comment: This sequence change creates a premature translational stop signal (p.Lys1481Glufs*42) in the TSC2 gene. It is expected to result in an absent or disrupted protein product. Loss-of-function variants in TSC2 are known to be pathogenic (PMID: 10205261, 17304050). For these reasons, this variant has been classified as Pathogenic. This variant has been observed in individual(s) with clinical features of tuberous sclerosis complex (PMID: 30260069). This variant is not present in population databases (ExAC no frequency).

Literature cited by the submitters: PubMed 10205261; PubMed 17304050; PubMed 30260069.

NM_000548.5(TSC2):c.4441_4442del (p.Lys1481fs)

Gene: TSC2 (TSC complex subunit 2; plus strand). Cytogenetic location: 16p13.3.
Variant type: Deletion.
Coding change: c.4441_4442del on transcript NM_000548.5 (MANE Select); coding-DNA positions 4441 to 4442, 2 bases deleted (AA; older notation c.4441_4442delAA).
Protein change: p.Lys1481fs; shifts the reading frame from lysine 1481.
Molecular consequence: frameshift variant.
Genome position (GRCh38, 1-based): chr16:2,084,663-2,084,664, AA deleted; deleting any 2 consecutive bases within chr16:2,084,662-2,084,664 gives the same sequence; the c. name uses the placement nearest the transcript's 3' end. VCF-style (leftmost placement, unchanged base first): chr16-2084661-TAA-T. GRCh37 (hg19) VCF-style: chr16-2134662-TAA-T.
Other names: c.4240_4241del, p.Lys1414fs (NM_001077183.3); c.4372_4373del, p.Lys1458fs (NM_001114382.3); c.4132_4133del, p.Lys1378fs (NM_001318827.2); c.4096_4097del, p.Lys1366fs (NM_001318829.2); c.3709_3710del, p.Lys1237fs (NM_001318831.2); c.4273_4274del, p.Lys1425fs (NM_001318832.2); c.4243_4244del, p.Lys1415fs (NM_001363528.2); c.4309_4310del, p.Lys1437fs (NM_001370404.1); and 1 more; short protein forms K1378fs, K1438fs, K1237fs, K1414fs, K1415fs, K1366fs, K1425fs, K1437fs.
Identifiers: ClinVar variation 1388481 (VCV001388481.8), dbSNP rs137854312, ClinGen allele CA2573151658.